The following is an entry in ClinVar:

NM_005883.3(APC2):c.2800G>A (p.Asp934Asn)

Gene: APC2 (APC regulator of Wnt signaling pathway 2; plus strand). Cytogenetic location: 19p13.3.
Variant type: single nucleotide variant.
Coding change: c.2800G>A on transcript NM_005883.3 (MANE Select); coding-DNA position 2800, G replaced by A.
Protein change: p.Asp934Asn; replaces aspartic acid 934 with asparagine.
Molecular consequence: missense variant.
Genome position (GRCh38, 1-based): chr19:1,466,101, G>A. VCF-style: chr19-1466101-G-A. GRCh37 (hg19) VCF-style: chr19-1466100-G-A.
Other names: c.2797G>A, p.Asp933Asn (NM_001351273.1); short protein forms D933N, D934N.
Identifiers: ClinVar variation 3930188 (VCV003930188.2).
Genomic context (GRCh38, chr19:1,466,101, plus strand): 5'-CGGCTCAAGGCGGCCCACGCCAGCCTCTCCAACGACAGCCTCAACAGCGGCAGTGCCAGC[G>A]ACGGGTACTGCCCACGCGAACATATGCTGCCCTGCCCGCTGGCCGCACTGGCTTCGCGCC-3'
Protein context (NP_005874.1, residues 924-944): NDSLNSGSAS[Asp934Asn]GYCPREHMLP

ClinVar aggregate classification (germline): Uncertain significance. Review status: criteria provided, multiple submitters, no conflicts (2 of 4 stars). 2 submissions from 2 submitters: Uncertain significance (2). Last evaluated 2025-08-01.

Conditions:
Inborn genetic diseases. Identifiers: MedGen C0950123, MeSH D030342.

Submissions (2):

GeneDx
Classification: Uncertain significance. Last evaluated: 2025-08-01. Review status: criteria provided, single submitter. Criteria: GeneDx Variant Classification Process June 2021. Collection method: clinical testing. Allele origin: germline. Affected: yes.
Comment: In silico analysis supports that this missense variant has a deleterious effect on protein structure/function; Has not been previously published as pathogenic or benign to our knowledge

Ambry Genetics
Classification: Uncertain significance for Inborn genetic diseases. Last evaluated: 2025-03-27. Review status: criteria provided, single submitter. Criteria: Ambry Variant Classification Scheme 2023. Collection method: clinical testing. Allele origin: germline.